The following is an entry in ClinVar:

NM_000208.4(INSR):c.1433G>A (p.Arg478His)

Gene: INSR (insulin receptor; minus strand). Cytogenetic location: 19p13.2.
Variant type: single nucleotide variant.
Coding change: c.1433G>A on transcript NM_000208.4 (MANE Select); coding-DNA position 1433, G replaced by A.
Protein change: p.Arg478His; replaces arginine 478 with histidine.
Molecular consequence: missense variant.
Genome position (GRCh38, 1-based): chr19:7,170,587, C>T on the plus strand (G>A on the coding strand, the complement: INSR is on the minus strand). VCF-style: chr19-7170587-C-T. GRCh37 (hg19) VCF-style: chr19-7170598-C-T.
Other names: c.1433G>A, p.Arg478His (NM_001079817.3); short protein forms R478H.
Identifiers: ClinVar variation 282217 (VCV000282217.7), dbSNP rs750676016, ClinGen allele CA9135839.

ClinVar aggregate classification (germline): Uncertain significance. Review status: criteria provided, multiple submitters, no conflicts (2 of 4 stars). 2 submissions from 2 submitters: Uncertain significance (2). Last evaluated 2024-12-17.

Allele frequency attached by ClinVar (database versions not stated): gnomAD exomes 0.00003; ExAC 0.00004; gnomAD 0.00005 and 0.00006; TOPMed 0.00006.
gnomAD v4.1: 63 of 1,613,522 alleles (0.0039%); highest among the groups gnomAD compares: South Asian, 0.0077%; no homozygotes.

Submissions (2):

Labcorp Genetics (formerly Invitae), Labcorp
Classification: Uncertain significance. Last evaluated: 2024-12-17. Review status: criteria provided, single submitter. Criteria: Invitae Variant Classification Sherloc (09022015). Collection method: clinical testing. Allele origin: germline.
Comment: This sequence change replaces arginine, which is basic and polar, with histidine, which is basic and polar, at codon 478 of the INSR protein (p.Arg478His). This variant is present in population databases (rs750676016, gnomAD 0.01%). This variant has not been reported in the literature in individuals affected with INSR-related conditions. ClinVar contains an entry for this variant (Variation ID: 282217). Invitae Evidence Modeling of protein sequence and biophysical properties (such as structural, functional, and spatial information, amino acid conservation, physicochemical variation, residue mobility, and thermodynamic stability) has been performed for this missense variant. However, the output from this modeling did not meet the statistical confidence thresholds required to predict the impact of this variant on INSR protein function. In summary, the available evidence is currently insufficient to determine the role of this variant in disease. Therefore, it has been classified as a Variant of Uncertain Significance.

Eurofins Ntd Llc (ga)
Classification: Uncertain significance. Last evaluated: 2015-08-20. Review status: criteria provided, single submitter. Criteria: EGL Classification Definitions 2015. Collection method: clinical testing. Allele origin: germline. Observed: 1 variant allele, 1 heterozygote.